The following is an entry in ClinVar:

ClinVar aggregate classification (germline): Likely pathogenic (1 of 4 stars; one submission).

Conditions:
LAMA2-related muscular dystrophy (LAMA2-RD). Also called: Laminin alpha 2-related dystrophy. Identifiers: MedGen C5679788, MONDO:0100228.

Submission:

Labcorp Genetics (formerly Invitae), Labcorp
Classification: Likely pathogenic for LAMA2-related muscular dystrophy. Last evaluated: 2021-06-18. Review status: criteria provided, single submitter. Criteria: Invitae Variant Classification Sherloc (09022015). Collection method: clinical testing. Allele origin: germline.
Comment: In summary, the currently available evidence indicates that the variant is pathogenic, but additional data are needed to prove that conclusively. Therefore, this variant has been classified as Likely Pathogenic. A similar copy number gain has been observed in individual(s) with clinical features of congenital muscular dystrophy (PMID: 29382405). This variant results in a copy number gain of the genomic region encompassing exon(s) 2-4 of the LAMA2 gene. While the exact position of this variant cannot be determined from the data, sub-genic copy number gains are generally in tandem (PMID: 25640679). This variant is predicted to be out-of-frame, and may result in an absent or disrupted protein product. Loss-of-function variants in LAMA2 are known to be pathogenic (PMID: 18700894).

Literature cited by the submitters: PubMed 29382405; PubMed 25640679; PubMed 18700894.

NC_000006.11:g.(?_129371053)_(129419570_?)dup

Gene: LAMA2 (laminin subunit alpha 2; plus strand). Cytogenetic location: 6q22.33.
Variant type: Duplication.
Identifiers: ClinVar variation 1497307 (VCV001497307.7).